The following is an entry in ClinVar:

NM_004086.3(COCH):c.1221T>C (p.Ala407=)

Genes: COCH (cochlin; plus strand), COCH-AS1 (COCH antisense RNA 1; minus strand). Cytogenetic location: 14q12.
Variant type: single nucleotide variant.
Coding change: c.1221T>C on transcript NM_004086.3 (MANE Select); coding-DNA position 1221, T replaced by C.
Protein change: p.Ala407=; no amino-acid change (alanine 407 retained).
Molecular consequence: synonymous variant. On other transcripts: non-coding transcript variant (1).
Genome position (GRCh38, 1-based): chr14:30,886,056, T>C. VCF-style: chr14-30886056-T-C. GRCh37 (hg19) VCF-style: chr14-31355262-T-C.
Other names: c.1221T>C, p.Ala407= (NM_001135058.2); c.1416T>C, p.Ala472= (NM_001347720.2); c.1221T>C (NM_001135058.1).
Identifiers: ClinVar variation 667097 (VCV000667097.12), dbSNP rs199608109, ClinGen allele CA7143289.
Genomic context (GRCh38, chr14:30,886,056, plus strand): 5'-TGAATTTGTTTCCAACATAGCCAAGACTTTTGAAATCTCGGACATTGGTGCCAAGATAGC[T>C]GCTGTACAGTTTACTTATGATCAGCGCACGGAGTTCAGTTTCACTGACTATAGCACCAAA-3'
Protein context (NP_004077.1, residues 397-417): FEISDIGAKI[Ala407=]AVQFTYDQRT

ClinVar aggregate classification (germline): Likely benign. Review status: criteria provided, multiple submitters, no conflicts (2 of 4 stars). 5 submissions from 5 submitters: Likely benign (4). 1 of the submissions does not count toward it. Last evaluated 2025-10-13.

Conditions:
COCH-related disorder. Also called: COCH-related condition.

Allele frequency attached by ClinVar (database versions not stated): gnomAD 0.00007 and 0.00006; 1000 Genomes Project 30x 0.00016; 1000 Genomes Project 0.00020; TOPMed 0.00010; ExAC 0.00018.
gnomAD v4.1: 57 of 1,614,264 alleles (0.0035%); highest among the groups gnomAD compares: Admixed American, 0.093%; no homozygotes.

Submissions (5):

Labcorp Genetics (formerly Invitae), Labcorp
Classification: Likely benign. Last evaluated: 2025-10-13. Review status: criteria provided, single submitter. Criteria: Invitae Variant Classification Sherloc (09022015). Collection method: clinical testing. Allele origin: germline.

Women's Health and Genetics/Laboratory Corporation of America, LabCorp
Classification: Likely benign. Last evaluated: 2025-06-19. Review status: criteria provided, single submitter. Criteria: LabCorp Variant Classification Summary - May 2015. Collection method: clinical testing. Allele origin: germline.

GeneDx
Classification: Likely benign. Last evaluated: 2021-01-04. Review status: criteria provided, single submitter. Criteria: GeneDx Variant Classification Process June 2021. Collection method: clinical testing. Allele origin: germline. Affected: yes.

Laboratory for Molecular Medicine, Mass General Brigham Personalized Medicine
Classification: Likely benign. Last evaluated: 2017-08-23. Review status: criteria provided, single submitter. Criteria: LMM Criteria. Collection method: clinical testing. Allele origin: germline. Observed: 2 variant alleles.
Comment: p.Ala407Ala in exon 11 of COCH: This variant is not expected to have clinical si gnificance because it does not alter an amino acid residue and is not located wi thin the splice consensus sequence. It has been identified in 0.19% (22/11552) o f Latino chromosomes by the Exome Aggregation Consortium (ExAC; dbSNP rs199608109).

PreventionGenetics, part of Exact Sciences
Classification: Likely benign for COCH-related condition. Last evaluated: 2022-07-25. Review status: no assertion criteria provided. Collection method: clinical testing. Allele origin: germline. Not counted in ClinVar's aggregate classification.
Comment: This variant is classified as likely benign based on ACMG/AMP sequence variant interpretation guidelines (Richards et al. 2015 PMID: 25741868, with internal and published modifications).